The following is an entry in ClinVar:

NC_000005.9:g.(?_90040843)_(90046534_?)del

Gene: ADGRV1 (adhesion G protein-coupled receptor V1; plus strand). Cytogenetic location: 5q14.3.
Variant type: Deletion.
Identifiers: ClinVar variation 3246548 (VCV003246548.1).

ClinVar aggregate classification (germline): Pathogenic (1 of 4 stars; one submission).

Submission:

Labcorp Genetics (formerly Invitae), Labcorp
Classification: Pathogenic. Last evaluated: 2022-12-22. Review status: criteria provided, single submitter. Criteria: Invitae Variant Classification Sherloc (09022015). Collection method: clinical testing. Allele origin: unknown.
Comment: This variant is a gross deletion of the genomic region encompassing exon(s) 51-53 of the ADGRV1 gene. This deletion is out-of-frame, and is expected to create a premature termination codon and result in an absent or disrupted protein product. Loss-of-function variants in ADGRV1 are known to be pathogenic (PMID: 19357117, 22135276, 22147658, 26226137, 30718709, 31047384, 32467589). This variant has not been reported in the literature in individuals affected with ADGRV1-related conditions. For these reasons, this variant has been classified as Pathogenic.

Literature cited by the submitters: PubMed 19357117; PubMed 22135276; PubMed 22147658; PubMed 26226137; PubMed 30718709; PubMed 31047384; PubMed 32467589.